The following is an entry in ClinVar:

ClinVar aggregate classification (germline): Uncertain significance (1 of 4 stars; one submission).

Conditions:
Primary dilated cardiomyopathy (DCM). Also called: Dilated Cardiomyopathy. Identifiers: Orphanet 217604, MedGen C0007193, MeSH D002311, MONDO:0005021, HP:0001644. Inheritance: Various modes of inheritance.

Allele frequency attached by ClinVar (database versions not stated): gnomAD exomes below 0.00001.
gnomAD v4.1: 4 of 1,613,536 alleles (0.00025%); highest among the groups gnomAD compares: Non-Finnish European, 0.00034%; no homozygotes.

Submission:

Labcorp Genetics (formerly Invitae), Labcorp
Classification: Uncertain significance for Primary dilated cardiomyopathy. Last evaluated: 2021-07-28. Review status: criteria provided, single submitter. Criteria: Invitae Variant Classification Sherloc (09022015). Collection method: clinical testing. Allele origin: germline.
Comment: Disruption of this splice site has been observed in individual(s) with dilated cardiomyopathy (PMID: 31983221). Algorithms developed to predict the effect of sequence changes on RNA splicing suggest that this variant may disrupt the consensus splice site. In summary, the available evidence is currently insufficient to determine the role of this variant in disease. Therefore, it has been classified as a Variant of Uncertain Significance. This sequence change affects an acceptor splice site in intron 14 of the TXNRD2 gene. It is expected to disrupt RNA splicing. Variants that disrupt the donor or acceptor splice site typically lead to a loss of protein function (PMID: 16199547), however the current clinical and genetic evidence is not sufficient to establish whether loss-of-function variants in TXNRD2 cause disease. This variant is not present in population databases (ExAC no frequency).

Literature cited by the submitters: PubMed 31983221; PubMed 16199547.

NM_006440.5(TXNRD2):c.1276-1G>A

Gene: TXNRD2 (thioredoxin reductase 2; minus strand). Cytogenetic location: 22q11.21.
Variant type: single nucleotide variant.
Coding change: c.1276-1G>A on transcript NM_006440.5 (MANE Select); the canonical splice acceptor site of the intron before coding-DNA position 1276, G replaced by A.
Molecular consequence: splice acceptor variant.
Genome position (GRCh38, 1-based): chr22:19,878,438, C>T on the plus strand (G>A on the coding strand, the complement: TXNRD2 is on the minus strand). VCF-style: chr22-19878438-C-T. GRCh37 (hg19) VCF-style: chr22-19865961-C-T.
Other names: c.1273-1G>A (NM_001352300.2); c.988-1G>A (NM_001352302.2); c.1186-1G>A (NM_001352301.2).
Identifiers: ClinVar variation 1431656 (VCV001431656.9), dbSNP rs2145927925, ClinGen allele CA410692374.